The following is an entry in ClinVar:

NM_000702.4(ATP1A2):c.1084G>A (p.Val362Met)

Gene: ATP1A2 (ATPase Na+/K+ transporting subunit alpha 2; plus strand). Cytogenetic location: 1q23.2.
Variant type: single nucleotide variant.
Coding change: c.1084G>A on transcript NM_000702.4 (MANE Select); coding-DNA position 1084, G replaced by A.
Protein change: p.Val362Met; replaces valine 362 with methionine.
Molecular consequence: missense variant.
Genome position (GRCh38, 1-based): chr1:160,128,718, G>A. VCF-style: chr1-160128718-G-A. GRCh37 (hg19) VCF-style: chr1-160098508-G-A.
Other names: short protein forms V362M.
Identifiers: ClinVar variation 2570741 (VCV002570741.27), dbSNP rs2524867863, ClinGen allele CA343239329.

ClinVar aggregate classification (germline): Likely pathogenic (1 of 4 stars; one submission).

Submission:

CeGaT Center for Human Genetics Tuebingen
Classification: Likely pathogenic. Last evaluated: 2023-05-01. Review status: criteria provided, single submitter. Criteria: CeGaT Center For Human Genetics Tuebingen Variant Classification Criteria Version 2. Collection method: clinical testing. Allele origin: germline. Affected: yes. Observed: 1 variant allele.
Comment: ATP1A2: PM1, PM2, PM5, PP3